The following is an entry in ClinVar:

ClinVar aggregate classification (germline): Uncertain significance. Review status: criteria provided, multiple submitters, no conflicts (2 of 4 stars). 2 submissions from 2 submitters: Uncertain significance (2). Last evaluated 2024-11-24.

Conditions:
Inborn genetic diseases. Identifiers: MedGen C0950123, MeSH D030342.

Allele frequency attached by ClinVar (database versions not stated): TOPMed below 0.00001.
gnomAD v4.1: 1 of 1,606,182 alleles (0.000062%); highest among the groups gnomAD compares: Middle Eastern, 0.017%; no homozygotes.

Submissions (2):

GeneDx
Classification: Uncertain significance. Last evaluated: 2024-11-24. Review status: criteria provided, single submitter. Criteria: GeneDx Variant Classification Process June 2021. Collection method: clinical testing. Allele origin: germline. Affected: yes.
Comment: Not observed at significant frequency in large population cohorts (gnomAD); In silico analysis indicates that this missense variant does not alter protein structure/function; Has not been previously published as pathogenic or benign to our knowledge

Ambry Genetics
Classification: Uncertain significance for Inborn genetic diseases. Last evaluated: 2020-06-17. Review status: criteria provided, single submitter. Criteria: Ambry Variant Classification Scheme 2023. Collection method: clinical testing. Allele origin: germline.
Comment: The alteration results in an amino acid change:_x000D_ _x000D_ The c.3962C>T (p.P1321L) alteration is located in coding exon 8 of the ZNF292 gene. This alteration results from a C to T substitution at nucleotide position 3962, causing the proline (P) at amino acid position 1321 to be replaced by a leucine (L). The alteration is not observed in population databases: _x000D_ _x000D_ Based on data from the Genome Aggregation Database (gnomAD), the ZNF292 c.3962C>T alteration was not observed, with coverage at this position. The altered amino acid is not conserved throughout evolution:_x000D_ _x000D_ The p.P1321 amino acid is not conserved in available vertebrate species. The alteration is predicted tolerated by in silico modeling:_x000D_ _x000D_ The p.P1321L alteration is predicted to be tolerated by in silico analysis. Based on insufficient or conflicting evidence, the clinical significance of this alteration remains unclear.

NM_015021.3(ZNF292):c.3962C>T (p.Pro1321Leu)

Gene: ZNF292 (zinc finger protein 292; plus strand). Cytogenetic location: 6q14.3.
Variant type: single nucleotide variant.
Coding change: c.3962C>T on transcript NM_015021.3 (MANE Select); coding-DNA position 3962, C replaced by T.
Protein change: p.Pro1321Leu; replaces proline 1321 with leucine.
Molecular consequence: missense variant.
Genome position (GRCh38, 1-based): chr6:87,257,591, C>T. VCF-style: chr6-87257591-C-T. GRCh37 (hg19) VCF-style: chr6-87967309-C-T.
Other names: c.3542C>T, p.Pro1181Leu (NM_001351444.2); short protein forms P1181L, P1321L.
Identifiers: ClinVar variation 986124 (VCV000986124.5), dbSNP rs1775299810, ClinGen allele CA364924913.